The following is an entry in ClinVar:

NM_024120.5(NDUFAF5):c.486T>C (p.His162=)

Gene: NDUFAF5 (NADH:ubiquinone oxidoreductase complex assembly factor 5; plus strand). Cytogenetic location: 20p12.1.
Variant type: single nucleotide variant.
Coding change: c.486T>C on transcript NM_024120.5 (MANE Select); coding-DNA position 486, T replaced by C.
Protein change: p.His162=; no amino-acid change (histidine 162 retained).
Molecular consequence: synonymous variant. On other transcripts: 5 prime UTR variant (2), non-coding transcript variant (7).
Genome position (GRCh38, 1-based): chr20:13,798,467, T>C. VCF-style: chr20-13798467-T-C. GRCh37 (hg19) VCF-style: chr20-13779113-T-C.
Other names: p.H162H:CAT>CAC; c.402T>C, p.His134= (NM_001039375.3); c.15T>C, p.His5= (NM_001352403.2); c.-76T>C (NM_001352406.2, NM_001352407.2); c.486T>C, p.His162= (NM_001352408.2).
Identifiers: ClinVar variation 136597 (VCV000136597.16), dbSNP rs2273317, ClinGen allele CA289767.

ClinVar aggregate classification (germline): Benign. Review status: criteria provided, multiple submitters, no conflicts (2 of 4 stars). 6 submissions from 6 submitters: Benign (4). 2 of the submissions do not count toward it. Last evaluated 2026-02-04.

Conditions:
Leigh syndrome (NULS). Also called: Leigh Disease; Subacute necrotizing encephalopathy; Necrotizing encephalopathy infantile subacute of Leigh; Leigh Syndrome (mtDNA deletion); Leigh's syndrome; LEIGH SYNDROME, NUCLEAR. Identifiers: Orphanet 506, MedGen C2931891, MONDO:0009723, OMIM 256000.

Allele frequency attached by ClinVar (database versions not stated): ESP Exome Variant Server 0.00108; gnomAD exomes 0.00819 and 0.02777; gnomAD 0.01050 and 0.01309; TOPMed 0.01858; ExAC 0.02452; 1000 Genomes Project 30x 0.04903; 1000 Genomes Project 0.05272.
gnomAD v4.1: 14,254 of 1,610,520 alleles (0.89%); highest among the groups gnomAD compares: East Asian, 17%; 893 homozygotes.

Submissions (6):

Labcorp Genetics (formerly Invitae), Labcorp
Classification: Benign. Last evaluated: 2026-02-04. Review status: criteria provided, single submitter. Criteria: Invitae Variant Classification Sherloc (09022015). Collection method: clinical testing. Allele origin: germline.

Women's Health and Genetics/Laboratory Corporation of America, LabCorp
Classification: Benign. Last evaluated: 2025-09-14. Review status: criteria provided, single submitter. Criteria: LabCorp Variant Classification Summary - May 2015. Collection method: clinical testing. Allele origin: germline.

GeneDx
Classification: Benign. Last evaluated: 2012-05-18. Review status: criteria provided, single submitter. Criteria: GeneDx Variant Classification (06012015). Collection method: clinical testing. Allele origin: germline. Affected: yes.
Comment: This variant is considered likely benign or benign based on one or more of the following criteria: it is a conservative change, it occurs at a poorly conserved position in the protein, it is predicted to be benign by multiple in silico algorithms, and/or has population frequency not consistent with disease.

Breakthrough Genomics
Classification: Benign. Review status: criteria provided, single submitter. Criteria: ACMG Guidelines, 2015. Collection method: not provided. Allele origin: germline. Inheritance: Autosomal recessive inheritance. Affected: yes.

Natera, Inc.
Classification: Benign for Leigh syndrome. Last evaluated: 2020-09-16. Review status: no assertion criteria provided. Collection method: clinical testing. Allele origin: germline. Not counted in ClinVar's aggregate classification.

Mayo Clinic Laboratories, Mayo Clinic
Classification: Benign. Last evaluated: 2017-06-14. Review status: no assertion criteria provided. Collection method: clinical testing. Allele origin: unknown. Not counted in ClinVar's aggregate classification.